The following is an entry in ClinVar:

NM_001127392.3(MYRF):c.1432del (p.Arg478fs)

Gene: MYRF (myelin regulatory factor; plus strand). Cytogenetic location: 11q12.2.
Variant type: Deletion.
Coding change: c.1432del on transcript NM_001127392.3 (MANE Select); coding-DNA position 1432, one base deleted (C; older notation c.1432delC).
Protein change: p.Arg478fs; shifts the reading frame from arginine 478.
Molecular consequence: frameshift variant.
Genome position (GRCh38, 1-based): chr11:61,776,365, C deleted. VCF-style (leftmost placement, unchanged base first): chr11-61776364-GC-G. GRCh37 (hg19) VCF-style: chr11-61543836-GC-G.
Other names: c.1405del, p.Arg469fs (NM_013279.4); short protein forms R469fs, R478fs.
Identifiers: ClinVar variation 3345211 (VCV003345211.1).

ClinVar aggregate classification (germline): Likely pathogenic (0 of 4 stars; one submission).

Conditions:
MYRF-related disorder. Also called: MYRF-related condition; MYRF-related disorders.

Submission:

PreventionGenetics, part of Exact Sciences
Classification: Likely pathogenic for MYRF-related condition. Last evaluated: 2024-06-11. Review status: no assertion criteria provided. Collection method: clinical testing. Allele origin: germline.
Comment: The MYRF c.1432delC variant is predicted to result in a frameshift and premature protein termination (p.Arg478Glyfs*127). To our knowledge, this variant has not been reported in the literature or in a large population database, indicating this variant is rare. Frameshift variants in MYRF are expected to be pathogenic. This variant is interpreted as likely pathogenic.